The following is an entry in ClinVar:

ClinVar aggregate classification (germline): Pathogenic. Review status: criteria provided, multiple submitters, no conflicts (2 of 4 stars). 7 submissions from 7 submitters: Pathogenic (7). Last evaluated 2025-01-24.

Conditions:
Spastic paraplegia. Identifiers: MedGen C0037772, HP:0001258.
SACS-related disorder. Also called: SACS-related condition.
Charlevoix-Saguenay spastic ataxia (SACS). Also called: SPASTIC ATAXIA 6, AUTOSOMAL RECESSIVE; AUTOSOMAL RECESSIVE SPASTIC ATAXIA OF CHARLEVOIX-SAGUENAY; Spastic ataxia of Charlevoix-Saguenay. Identifiers: Orphanet 98, MedGen C1849140, MONDO:0010041, OMIM 270550.

Submissions (7):

Natera, Inc.
Classification: Pathogenic for Charlevoix-Saguenay type spastic ataxia. Last evaluated: 2025-01-24. Review status: criteria provided, single submitter. Criteria: Natera Variant Classification Schema (03/2026). Collection method: clinical testing. Allele origin: germline.
Comment: The c.1769_1770delTG variant in SACS is a frameshift variant predicted to shift the reading frame beginning at codon 590 and leads to a stop codon 55 codons downstream. This variant is expected to result in nonsense mediated decay, truncation, or a dysfunctional protein product. This variant is rare in the general population with a frequency below the threshold expected for the associated phenotype(s). This variant has been observed in one or more individuals affected with the associated recessive disease, as either homozygous or compound heterozygous with a second variant (PMID: 33624863, 29997391). Given the available evidence, this variant is classified as Pathogenic.

Baylor Genetics
Classification: Pathogenic for Charlevoix-Saguenay spastic ataxia. Last evaluated: 2024-01-22. Review status: criteria provided, single submitter. Criteria: ACMG Guidelines, 2015. Collection method: clinical testing. Allele origin: unknown.

Blueprint Genetics
Classification: Pathogenic for SACS-related disorders. Last evaluated: 2023-03-20. Review status: criteria provided, single submitter. Criteria: ACMG Guidelines, 2015. Collection method: clinical testing. Allele origin: germline. Affected: yes. Observed: 4 variant alleles.

Labcorp Genetics (formerly Invitae), Labcorp
Classification: Pathogenic for Spastic paraplegia. Last evaluated: 2023-02-24. Review status: criteria provided, single submitter. Criteria: Invitae Variant Classification Sherloc (09022015). Collection method: clinical testing. Allele origin: germline.
Comment: For these reasons, this variant has been classified as Pathogenic. This premature translational stop signal has been observed in individuals with spastic ataxia of Charlevoix–Saguenay (ARSACS) (PMID: 26288984). This variant is not present in population databases (gnomAD no frequency). This sequence change creates a premature translational stop signal (p.Val590Alafs*55) in the SACS gene. It is expected to result in an absent or disrupted protein product. Loss-of-function variants in SACS are known to be pathogenic (PMID: 18465152, 20876471).

Dasa
Classification: Pathogenic for Charlevoix-Saguenay spastic ataxia. Last evaluated: 2022-03-05. Review status: criteria provided, single submitter. Criteria: ACMG Guidelines, 2015. Collection method: clinical testing. Allele origin: germline. Affected: yes. Observed: 1 variant allele.
Comment: The c.1769_1770del;p.(Val590Alafs*55) is a null frameshift variant (NMD) in the SACS gene and predicts alteration of the nonsense-mediate decay - NMD is present in a relevant exon to the transcript - PVS1. . This variant is not present in population databases (rs1383333220- gnomAD; ABraOM no frequency) - PM2. The p.(Val590Alafs*55) was detected in a homozygous state in the analyzed sample - - PM3. In summary, the currently available evidence indicates that the variant is pathogenic.

PROSPAX: an integrated multimodal progression  chart in spastic ataxias, Center for Neurology; Hertie-Institute for Clinical Brain Research
Classification: Pathogenic for Charlevoix-Saguenay spastic ataxia. Last evaluated: 2022-01-01. Review status: criteria provided, single submitter. Criteria: ACMG Guidelines, 2015. Collection method: research. Allele origin: germline. Affected: yes. Observed: 1 variant allele, 1 homozygote.

Fulgent Genetics
Classification: Pathogenic for Charlevoix-Saguenay spastic ataxia. Last evaluated: 2021-10-19. Review status: criteria provided, single submitter. Criteria: ACMG Guidelines, 2015. Collection method: clinical testing. Allele origin: unknown.

Literature cited by the submitters: PubMed 33624863 (cited by Natera, Inc.); PubMed 29997391 (cited by Natera, Inc.); PubMed 26288984 (cited by Labcorp Genetics (formerly Invitae), Labcorp); PubMed 18465152 (cited by Labcorp Genetics (formerly Invitae), Labcorp); PubMed 20876471 (cited by Labcorp Genetics (formerly Invitae), Labcorp).

NM_014363.6(SACS):c.1769_1770del (p.Val590fs)

Gene: SACS (sacsin molecular chaperone; minus strand). Cytogenetic location: 13q12.12.
Variant type: Microsatellite.
Coding change: c.1769_1770del on transcript NM_014363.6 (MANE Select); coding-DNA positions 1769 to 1770, 2 bases deleted (TG; older notation c.1769_1770delTG).
Protein change: p.Val590fs; shifts the reading frame from valine 590.
Molecular consequence: frameshift variant.
Genome position (GRCh38, 1-based): chr13:23,354,842-23,354,843, CA deleted on the plus strand (TG on the coding strand, the reverse complement: SACS is on the minus strand); deleting any 2 consecutive bases within chr13:23,354,842-23,354,845 gives the same sequence; the c. name uses the placement nearest the transcript's 3' end. VCF-style (leftmost placement, unchanged base first): chr13-23354841-GCA-G. GRCh37 (hg19) VCF-style: chr13-23928980-GCA-G.
Other names: c.1769_1770delTG (NM_014363.5); c.1328_1329del, p.Val443fs (NM_001278055.2); short protein forms V443fs, V590fs.
Identifiers: ClinVar variation 1075545 (VCV001075545.19), dbSNP rs1383333220, ClinGen allele CA645585083.